The following is an entry in ClinVar:

ClinVar aggregate classification (germline): Uncertain significance (1 of 4 stars; one submission).

Conditions:
Arrhythmogenic right ventricular dysplasia 13. Also called: ARRHYTHMOGENIC RIGHT VENTRICULAR CARDIOMYOPATHY 13; Arrhythmogenic right ventricular dysplasia, familial, 13. Identifiers: MedGen C3810138, MONDO:0000908, OMIM 615616.

Allele frequency attached by ClinVar (database versions not stated): gnomAD exomes below 0.00001.
gnomAD v4.1: 2 of 1,614,094 alleles (0.00012%); highest among the groups gnomAD compares: Non-Finnish European, 0.00017%; no homozygotes.

Submission:

Labcorp Genetics (formerly Invitae), Labcorp
Classification: Uncertain significance for Arrhythmogenic right ventricular dysplasia 13. Last evaluated: 2022-09-23. Review status: criteria provided, single submitter. Criteria: Invitae Variant Classification Sherloc (09022015). Collection method: clinical testing. Allele origin: germline.
Comment: In summary, the available evidence is currently insufficient to determine the role of this variant in disease. Therefore, it has been classified as a Variant of Uncertain Significance. Advanced modeling of protein sequence and biophysical properties (such as structural, functional, and spatial information, amino acid conservation, physicochemical variation, residue mobility, and thermodynamic stability) performed at Invitae indicates that this missense variant is not expected to disrupt CTNNA3 protein function. This variant has not been reported in the literature in individuals affected with CTNNA3-related conditions. This variant is present in population databases (no rsID available, gnomAD 0.0009%). This sequence change replaces valine, which is neutral and non-polar, with glycine, which is neutral and non-polar, at codon 82 of the CTNNA3 protein (p.Val82Gly).

NM_013266.4(CTNNA3):c.245T>G (p.Val82Gly)

Gene: CTNNA3 (catenin alpha 3; minus strand). Cytogenetic location: 10q21.3.
Variant type: single nucleotide variant.
Coding change: c.245T>G on transcript NM_013266.4 (MANE Select); coding-DNA position 245, T replaced by G.
Protein change: p.Val82Gly; replaces valine 82 with glycine.
Molecular consequence: missense variant.
Genome position (GRCh38, 1-based): chr10:67,606,904, A>C on the plus strand (T>G on the coding strand, the complement: CTNNA3 is on the minus strand). VCF-style: chr10-67606904-A-C. GRCh37 (hg19) VCF-style: chr10-69366662-A-C.
Other names: c.245T>G, p.Val82Gly (NM_001127384.3); c.281T>G, p.Val94Gly (NM_001291133.2); short protein forms V82G, V94G.
Identifiers: ClinVar variation 2127924 (VCV002127924.4), dbSNP rs1470581978, ClinGen allele CA377098168.